The following is an entry in ClinVar:

NM_025132.4(WDR19):c.3703G>A (p.Glu1235Lys)

Gene: WDR19 (WD repeat domain 19; plus strand). Cytogenetic location: 4p14.
Variant type: single nucleotide variant.
Coding change: c.3703G>A on transcript NM_025132.4 (MANE Select); coding-DNA position 3703, G replaced by A.
Protein change: p.Glu1235Lys; replaces glutamic acid 1235 with lysine.
Molecular consequence: missense variant.
Genome position (GRCh38, 1-based): chr4:39,274,945, G>A. VCF-style: chr4-39274945-G-A. GRCh37 (hg19) VCF-style: chr4-39276565-G-A.
Other names: c.3223G>A, p.Glu1075Lys (NM_001317924.2); short protein forms E1235K, E1075K.
Identifiers: ClinVar variation 127157 (VCV000127157.15), dbSNP rs587777351, ClinGen allele CA151410.

ClinVar aggregate classification (germline): Pathogenic/Likely pathogenic. Review status: criteria provided, multiple submitters, no conflicts (2 of 4 stars). 8 submissions from 8 submitters: Pathogenic (4); Likely pathogenic (3). 1 of the submissions does not count toward it. Last evaluated 2024-12-03.

Conditions:
Spermatogenic failure 72 (SPGF72). Identifiers: MedGen C5676980, MONDO:0030809, OMIM 619867.
Asphyxiating thoracic dystrophy 5 (SRTD5). Also called: SHORT-RIB THORACIC DYSPLASIA 5 WITH OR WITHOUT POLYDACTYLY; SHORT-RIB THORACIC DYSPLASIA 5 WITHOUT POLYDACTYLY. Identifiers: Orphanet 474, MedGen C3280598, MONDO:0013717, OMIM 614376.
Nephronophthisis 13 (NPHP13). Identifiers: Orphanet 655, MedGen C3280612, MONDO:0013718, OMIM 614377.
Cranioectodermal dysplasia 4 (CED4). Identifiers: Orphanet 1515, MedGen C3280616, MONDO:0013719, OMIM 614378.
Senior-Loken syndrome 8 (SLSN8). Identifiers: Orphanet 3156, MedGen C4225376, MONDO:0014579, OMIM 616307.
WDR19-related disorder. Also called: WDR19-related disorders; WDR19-related condition. Identifiers: MedGen CN380161.

Allele frequency attached by ClinVar (database versions not stated): TOPMed below 0.00001; gnomAD 0.00001; gnomAD exomes 0.00001 and 0.00002; ExAC 0.00002.
gnomAD v4.1: 15 of 1,613,858 alleles (0.00093%); highest among the groups gnomAD compares: East Asian, 0.0045%; no homozygotes.

Submissions (8):

Revvity Omics, Revvity
Classification: Pathogenic. Last evaluated: 2024-12-03. Review status: criteria provided, single submitter. Criteria: ACMG Guidelines, 2015. Collection method: clinical testing. Allele origin: germline.

Labcorp Genetics (formerly Invitae), Labcorp
Classification: Pathogenic for Senior-Loken syndrome 8; Asphyxiating thoracic dystrophy 5. Last evaluated: 2024-05-22. Review status: criteria provided, single submitter. Criteria: Invitae Variant Classification Sherloc (09022015). Collection method: clinical testing. Allele origin: germline.
Comment: This sequence change replaces glutamic acid, which is acidic and polar, with lysine, which is basic and polar, at codon 1235 of the WDR19 protein (p.Glu1235Lys). This variant is present in population databases (rs587777351, gnomAD 0.009%). This missense change has been observed in individual(s) with WDR19-related conditions (PMID: 23559409, 25726036, 33532864). In at least one individual the data is consistent with being in trans (on the opposite chromosome) from a pathogenic variant. It has also been observed to segregate with disease in related individuals. ClinVar contains an entry for this variant (Variation ID: 127157). Advanced modeling of protein sequence and biophysical properties (such as structural, functional, and spatial information, amino acid conservation, physicochemical variation, residue mobility, and thermodynamic stability) performed at Invitae indicates that this missense variant is not expected to disrupt WDR19 protein function with a negative predictive value of 80%. For these reasons, this variant has been classified as Pathogenic.

Department of Pathology and Laboratory Medicine, Sinai Health System
Classification: Likely pathogenic for Asphyxiating thoracic dystrophy 5; Nephronophthisis 13; Cranioectodermal dysplasia 4; Senior-Loken syndrome 8; Spermatogenic failure 72. Last evaluated: 2023-06-12. Review status: criteria provided, single submitter. Criteria: ACMG Guidelines, 2015. Collection method: research. Allele origin: germline.

3billion
Classification: Pathogenic for Nephronophthisis 13. Last evaluated: 2023-02-23. Review status: criteria provided, single submitter. Criteria: ACMG Guidelines, 2015. Collection method: clinical testing. Allele origin: unknown. Affected: yes.
Comment: The variant is observed at an extremely low frequency in the gnomAD v2.1.1 dataset (total allele frequency: 0.002%). In silico tool predictions suggest damaging effect of the variant on gene or gene product (REVEL: 0.68; 3Cnet: 0.88). Same nucleotide change resulting in same amino acid change has been previously reported as pathogenic/likely pathogenic with strong evidence (ClinVar ID: VCV000127157). The variant has been reported to be in trans with a pathogenic variant as either compound heterozygous or homozygous in at least one similarly affected unrelated individual (PMID: 25726036). The variant has been reported to co-segregate with the disease in at least one similarly affected relative/individual in the same family or similarly affected unrelated family (PMID: 25726036). Therefore, this variant is classified as Pathogenic according to the recommendation of ACMG/AMP guideline.

Fulgent Genetics
Classification: Likely pathogenic for Asphyxiating thoracic dystrophy 5; Nephronophthisis 13; Cranioectodermal dysplasia 4; Senior-Loken syndrome 8; Spermatogenic failure 72. Last evaluated: 2022-04-07. Review status: criteria provided, single submitter. Criteria: ACMG Guidelines, 2015. Collection method: clinical testing. Allele origin: unknown.

Molecular Biology Laboratory, Fundació Puigvert
Classification: Likely pathogenic for Senior-Loken syndrome 8. Last evaluated: 2020-02-01. Review status: criteria provided, single submitter. Criteria: ACMG Guidelines, 2015. Collection method: research. Allele origin: maternal. Affected: yes. Study: KidneyPanel_2020.

Blueprint Genetics
Classification: Pathogenic for WDR19-related disorders. Last evaluated: 2018-04-19. Review status: criteria provided, single submitter. Criteria: ACMG Guidelines, 2015. Collection method: clinical testing. Allele origin: germline. Affected: yes. Observed: 1 variant allele.

OMIM
Classification: Pathogenic for NEPHRONOPHTHISIS 13. Last evaluated: 2013-08-01. Review status: no assertion criteria provided. Collection method: literature only. Allele origin: germline. Not counted in ClinVar's aggregate classification.

Literature cited by the submitters: PubMed 23559409 (cited by Labcorp Genetics (formerly Invitae), Labcorp and OMIM); PubMed 25726036 (cited by 3 submitters); PubMed 33532864 (cited by Labcorp Genetics (formerly Invitae), Labcorp and Molecular Biology Laboratory, Fundació Puigvert).